The following is an entry in ClinVar:

NM_001378120.1(MBD5):c.113+166_113+167insG

Gene: MBD5 (methyl-CpG binding domain protein 5; plus strand). Cytogenetic location: 2q23.1.
Variant type: Insertion.
Coding change: c.113+166_113+167insG on transcript NM_001378120.1 (MANE Select); bases 166 to 167 of the intron after coding-DNA position 113, G inserted.
Molecular consequence: intron variant.
Genome position: GRCh38 VCF-style: chr2-148459037-T-TG. GRCh37 (hg19) VCF-style: chr2-149216606-T-TG.
Other names: c.113+166_113+167insG (NM_018328.5).
Identifiers: ClinVar variation 677680 (VCV000677680.1), dbSNP rs111721579, ClinGen allele CA57565431.

ClinVar aggregate classification (germline): Likely benign (1 of 4 stars; one submission).

Allele frequency attached by ClinVar (database versions not stated): 1000 Genomes Project 0.01098; 1000 Genomes Project 30x 0.01140; gnomAD 0.01336 and 0.01441; TOPMed 0.01512.

Submission:

GeneDx
Classification: Likely benign. Last evaluated: 2018-06-14. Review status: criteria provided, single submitter. Criteria: GeneDx Variant Classification (06012015). Collection method: clinical testing. Allele origin: germline. Affected: yes.
Comment: This variant is considered likely benign or benign based on one or more of the following criteria: it is a conservative change, it occurs at a poorly conserved position in the protein, it is predicted to be benign by multiple in silico algorithms, and/or has population frequency not consistent with disease.